The following is an entry in ClinVar:

ClinVar aggregate classification (germline): Pathogenic (1 of 4 stars; one submission).

Conditions:
Cardiovascular phenotype. Identifiers: MedGen CN230736.
Hereditary cancer-predisposing syndrome. Also called: Neoplastic Syndromes, Hereditary; Tumor predisposition; Hereditary neoplastic syndrome; Hereditary Cancer Syndrome. Identifiers: Orphanet 140162, MedGen C0027672, MeSH D009386, MONDO:0015356.

Submission:

Ambry Genetics
Classification: Pathogenic for Cardiovascular phenotype; Hereditary cancer-predisposing syndrome. Last evaluated: 2025-06-13. Review status: criteria provided, single submitter. Criteria: Ambry Variant Classification Scheme 2023. Collection method: clinical testing. Allele origin: germline.
Comment: The c.2277delG pathogenic mutation, located in coding exon 19 of the NF1 gene, results from a deletion of one nucleotide at nucleotide position 2277, causing a translational frameshift with a predicted alternate stop codon (p.M760Wfs*4). This variant is considered to be rare based on population cohorts in the Genome Aggregation Database (gnomAD). This alteration is expected to result in loss of function by premature protein truncation or nonsense-mediated mRNA decay. As such, this alteration is interpreted as a disease-causing mutation.

NM_001042492.3(NF1):c.2277del (p.Met760fs)

Gene: NF1 (neurofibromin 1; plus strand). Cytogenetic location: 17q11.2.
Variant type: Deletion.
Coding change: c.2277del on transcript NM_001042492.3 (MANE Select); coding-DNA position 2277, one base deleted (G; older notation c.2277delG).
Protein change: p.Met760fs; shifts the reading frame from methionine 760.
Molecular consequence: frameshift variant.
Genome position (GRCh38, 1-based): chr17:31,227,243, G deleted. VCF-style (leftmost placement, unchanged base first): chr17-31227242-TG-T. GRCh37 (hg19) VCF-style: chr17-29554260-TG-T.
Other names: c.2277delG (NM_000267.3); c.2277delG, p.Met760Trpfs (NM_000267.4); short protein forms M760fs.
Identifiers: ClinVar variation 4034002 (VCV004034002.1).